The following is an entry in ClinVar:

ClinVar aggregate classification (germline): Uncertain significance (1 of 4 stars; one submission).

Conditions:
Alstrom syndrome (ALMS). Identifiers: Orphanet 64, MedGen C0268425, MONDO:0008763, OMIM 203800.

Allele frequency attached by ClinVar (database versions not stated): gnomAD exomes below 0.00001.
gnomAD v4.1: 3 of 1,558,512 alleles (0.00019%); highest among the groups gnomAD compares: Non-Finnish European, 0.00026%; no homozygotes.

Submission:

Labcorp Genetics (formerly Invitae), Labcorp
Classification: Uncertain significance for Alstrom syndrome. Last evaluated: 2022-04-18. Review status: criteria provided, single submitter. Criteria: Invitae Variant Classification Sherloc (09022015). Collection method: clinical testing. Allele origin: germline.
Comment: This sequence change replaces glutamic acid, which is acidic and polar, with lysine, which is basic and polar, at codon 46 of the ALMS1 protein (p.Glu46Lys). This variant is present in population databases (rs755038994, gnomAD 0.002%). This variant has not been reported in the literature in individuals affected with ALMS1-related conditions. Experimental studies and prediction algorithms are not available or were not evaluated, and the functional significance of this variant is currently unknown. In summary, the available evidence is currently insufficient to determine the role of this variant in disease. Therefore, it has been classified as a Variant of Uncertain Significance.

NM_001378454.1(ALMS1):c.133G>A (p.Glu45Lys)

Gene: ALMS1 (ALMS1 centrosome and basal body associated protein; plus strand). Cytogenetic location: 2p13.1.
Variant type: single nucleotide variant.
Coding change: c.133G>A on transcript NM_001378454.1 (MANE Select); coding-DNA position 133, G replaced by A.
Protein change: p.Glu45Lys; replaces glutamic acid 45 with lysine.
Molecular consequence: missense variant.
Genome position (GRCh38, 1-based): chr2:73,386,001, G>A. VCF-style: chr2-73386001-G-A. GRCh37 (hg19) VCF-style: chr2-73613129-G-A.
Other names: c.136G>A, p.Glu46Lys (NM_015120.4); short protein forms E45K, E46K.
Identifiers: ClinVar variation 2163773 (VCV002163773.1), dbSNP rs755038994, ClinGen allele CA1712747.
Genomic context (GRCh38, chr2:73,386,001, plus strand): 5'-GAAGAGGAGGAGGCTGCAGCGGCGGCGGCGGCGAACGTGGACGACGTAGTGGTCGTGGAG[G>A]AGGTGGAGGAAGAGGCGGGGCGGGAGTTGGACTCCGACTCTCACTACGGGCCCCAGCATC-3'
Protein context (NP_001365383.1, residues 35-55): ANVDDVVVVE[Glu45Lys]VEEEAGRELD